The following is an entry in ClinVar:

NM_000465.4(BARD1):c.696A>C (p.Lys232Asn)

Gene: BARD1 (BRCA1 associated RING domain 1; minus strand). Cytogenetic location: 2q35.
Variant type: single nucleotide variant.
Coding change: c.696A>C on transcript NM_000465.4 (MANE Select); coding-DNA position 696, A replaced by C.
Protein change: p.Lys232Asn; replaces lysine 232 with asparagine.
Molecular consequence: missense variant. On other transcripts: non-coding transcript variant (2), intron variant (3).
Genome position (GRCh38, 1-based): chr2:214,781,178, T>G on the plus strand (A>C on the coding strand, the complement: BARD1 is on the minus strand). VCF-style: chr2-214781178-T-G. GRCh37 (hg19) VCF-style: chr2-215645902-T-G.
Other names: c.639A>C, p.Lys213Asn (NM_001282543.2); c.158+28234A>C (NM_001282548.2); c.215+15883A>C (NM_001282545.2); c.364+11119A>C (NM_001282549.2); short protein forms K213N, K232N.
Identifiers: ClinVar variation 1720546 (VCV001720546.5), dbSNP rs2469509836, ClinGen allele CA350456369.
Genomic context (GRCh38, chr2:214,781,178, plus strand): 5'-AGGACTGGAGATAACAGATGGTTGGCTACAGAAGGATACCAGCTTTTGCTTAGATTCCTC[T>G]TTGGAGTCAAATTCACCATCTTCTTTTTCTGCCTCTAAATTCCATTTTTGGTTGATTTCA-3'
Protein context (NP_000456.2, residues 222-242): AEKEDGEFDS[Lys232Asn]EESKQKLVSF

ClinVar aggregate classification (germline): Uncertain significance (1 of 4 stars; one submission).

Conditions:
Familial cancer of breast. Also called: BREAST CANCER, FAMILIAL; hereditary breast carcinoma; Hereditary breast cancer. Identifiers: Orphanet 227535, MedGen C0346153, MONDO:0016419, OMIM 114480. Disease mechanism: loss of function.

Submission:

Labcorp Genetics (formerly Invitae), Labcorp
Classification: Uncertain significance for Familial cancer of breast. Last evaluated: 2022-07-20. Review status: criteria provided, single submitter. Criteria: Invitae Variant Classification Sherloc (09022015). Collection method: clinical testing. Allele origin: germline.
Comment: This sequence change replaces lysine, which is basic and polar, with asparagine, which is neutral and polar, at codon 232 of the BARD1 protein (p.Lys232Asn). In summary, the available evidence is currently insufficient to determine the role of this variant in disease. Therefore, it has been classified as a Variant of Uncertain Significance. Algorithms developed to predict the effect of missense changes on protein structure and function are either unavailable or do not agree on the potential impact of this missense change (SIFT: "Deleterious"; PolyPhen-2: "Benign"; Align-GVGD: "Class C65"). This variant has not been reported in the literature in individuals affected with BARD1-related conditions. This variant is not present in population databases (gnomAD no frequency).